The following is an entry in ClinVar:

NM_004168.4(SDHA):c.1214C>T (p.Thr405Ile)

Gene: SDHA (succinate dehydrogenase complex flavoprotein subunit A; plus strand). Cytogenetic location: 5p15.33.
Variant type: single nucleotide variant.
Coding change: c.1214C>T on transcript NM_004168.4 (MANE Select); coding-DNA position 1214, C replaced by T.
Protein change: p.Thr405Ile; replaces threonine 405 with isoleucine.
Molecular consequence: missense variant.
Genome position (GRCh38, 1-based): chr5:235,293, C>T. VCF-style: chr5-235293-C-T. GRCh37 (hg19) VCF-style: chr5-235408-C-T.
Other names: c.1070C>T, p.Thr357Ile (NM_001294332.2); c.1214C>T, p.Thr405Ile (NM_001330758.2); short protein forms T357I, T405I.
Identifiers: ClinVar variation 1722241 (VCV001722241.7), dbSNP rs1553999491, ClinGen allele CA359013683.
Genomic context (GRCh38, chr5:235,293, plus strand): 5'-AGACAGCCATGATCTTCGCTGGCGTGGACGTCACGAAGGAGCCGATCCCTGTCCTCCCCA[C>T]CGTGCATTATAACATGGGCGGCATTCCCACCAACTACAAGGGGCAGGTGATGGTGCTGGC-3'
Protein context (NP_004159.2, residues 395-415): VTKEPIPVLP[Thr405Ile]VHYNMGGIPT

ClinVar aggregate classification (germline): Uncertain significance. Review status: criteria provided, multiple submitters, no conflicts (2 of 4 stars). 2 submissions from 2 submitters: Uncertain significance (2). Last evaluated 2024-02-29.

Conditions:
Mitochondrial complex II deficiency, nuclear type 1. Also called: SUCCINATE CoQ REDUCTASE DEFICIENCY. Identifiers: Orphanet 3208, MedGen C5700310, MONDO:0100294, OMIM 252011.
Pheochromocytoma/paraganglioma syndrome 5. Also called: Paragangliomas 5; SDHA-Related Hereditary Paraganglioma-Pheochromocytoma Syndrome. Identifiers: Orphanet 29072, MedGen C3279992, MONDO:0013602, OMIM 614165.
Dilated cardiomyopathy 1GG (CMD1GG). Identifiers: Orphanet 154, MedGen C3150898, MONDO:0013339, OMIM 613642.

Submissions (2):

Baylor Genetics
Classification: Uncertain significance for Dilated cardiomyopathy 1GG. Last evaluated: 2024-02-29. Review status: criteria provided, single submitter. Criteria: ACMG Guidelines, 2015. Collection method: clinical testing. Allele origin: unknown.

Labcorp Genetics (formerly Invitae), Labcorp
Classification: Uncertain significance for Pheochromocytoma/paraganglioma syndrome 5; Mitochondrial complex II deficiency, nuclear type 1. Last evaluated: 2022-10-27. Review status: criteria provided, single submitter. Criteria: Invitae Variant Classification Sherloc (09022015). Collection method: clinical testing. Allele origin: germline.
Comment: In summary, the available evidence is currently insufficient to determine the role of this variant in disease. Therefore, it has been classified as a Variant of Uncertain Significance. Algorithms developed to predict the effect of missense changes on protein structure and function (SIFT, PolyPhen-2, Align-GVGD) all suggest that this variant is likely to be disruptive. This variant has not been reported in the literature in individuals affected with SDHA-related conditions. This variant is not present in population databases (gnomAD no frequency). This sequence change replaces threonine, which is neutral and polar, with isoleucine, which is neutral and non-polar, at codon 405 of the SDHA protein (p.Thr405Ile).